The following is an entry in ClinVar:

NM_000159.4(GCDH):c.636-1G>A

Gene: GCDH (glutaryl-CoA dehydrogenase; plus strand). Cytogenetic location: 19p13.13.
Variant type: single nucleotide variant.
Coding change: c.636-1G>A on transcript NM_000159.4 (MANE Select); the canonical splice acceptor site of the intron before coding-DNA position 636, G replaced by A.
Molecular consequence: splice acceptor variant.
Genome position (GRCh38, 1-based): chr19:12,896,204, G>A. VCF-style: chr19-12896204-G-A. GRCh37 (hg19) VCF-style: chr19-13007018-G-A.
Other names: c.636-1G>A (NM_000159.3, NM_013976.5).
Identifiers: ClinVar variation 92534 (VCV000092534.9), dbSNP rs398123195, ClinGen allele CA220440.

ClinVar aggregate classification (germline): Pathogenic/Likely pathogenic. Review status: criteria provided, multiple submitters, no conflicts (2 of 4 stars). 4 submissions from 4 submitters: Pathogenic (2); Likely pathogenic (1). 1 of the submissions does not count toward it. Last evaluated 2024-06-24.

Conditions:
Glutaric aciduria, type 1. Also called: GA I; Glutaryl-CoA dehydrogenase deficiency; Glutaric acidemia type I; Glutaricacidemia Type 1; Glutaricaciduria, type I; Glutaric Acidemia Type 1. Identifiers: Orphanet 25, MedGen C0268595, MONDO:0009281, OMIM 231670.

Allele frequency attached by ClinVar (database versions not stated): TOPMed below 0.00001; gnomAD 0.00001.
gnomAD v4.1: 1 of 1,614,056 alleles (0.000062%); highest among the groups gnomAD compares: Non-Finnish European, 0.000085%; no homozygotes.

Submissions (4):

Natera, Inc.
Classification: Likely pathogenic for Glutaric acidemia type 1. Last evaluated: 2024-06-24. Review status: criteria provided, single submitter. Criteria: Natera Variant Classification Schema (03/2026). Collection method: clinical testing. Allele origin: germline.
Comment: The c.636-1G>A variant in GCDH is a canonical splice acceptor site variant predicted to affect pre-mRNA splicing, which may result in an abnormal transcript and altered protein product. This variant is expected to result in nonsense mediated decay, truncation, or a dysfunctional protein product. This variant is rare in the general population with a frequency below the threshold expected for the associated phenotype(s). Given the available evidence, this variant is classified as Likely Pathogenic.

Baylor Genetics
Classification: Pathogenic for Glutaric aciduria, type 1. Last evaluated: 2024-02-10. Review status: criteria provided, single submitter. Criteria: ACMG Guidelines, 2015. Collection method: clinical testing. Allele origin: unknown.

Eurofins Ntd Llc (ga)
Classification: Pathogenic. Last evaluated: 2012-11-01. Review status: criteria provided, single submitter. Criteria: EGL Classification Definitions. Collection method: clinical testing. Allele origin: germline. Observed: 2 variant alleles, 2 heterozygotes.

Counsyl
Classification: Likely pathogenic for Glutaric aciduria, type 1. Last evaluated: 2017-05-10. Review status: no assertion criteria provided. Collection method: clinical testing. Allele origin: unknown. Not counted in ClinVar's aggregate classification.

Literature cited by the submitters: PubMed 10699052 (cited by Counsyl).